The following is an entry in ClinVar:

ClinVar aggregate classification (germline): Uncertain significance (1 of 4 stars; one submission).

Submission:

GeneDx
Classification: Uncertain significance. Last evaluated: 2024-08-16. Review status: criteria provided, single submitter. Criteria: GeneDx Variant Classification Process June 2021. Collection method: clinical testing. Allele origin: germline. Affected: yes.
Comment: Not observed at significant frequency in large population cohorts (gnomAD); In silico analysis supports that this missense variant has a deleterious effect on protein structure/function; Has not been previously published as pathogenic or benign to our knowledge

NM_001382241.1(TNPO2):c.836T>G (p.Leu279Arg)

Gene: TNPO2 (transportin 2; minus strand). Cytogenetic location: 19p13.13.
Variant type: single nucleotide variant.
Coding change: c.836T>G on transcript NM_001382241.1 (MANE Select); coding-DNA position 836, T replaced by G.
Protein change: p.Leu279Arg; replaces leucine 279 with arginine.
Molecular consequence: missense variant. On other transcripts: non-coding transcript variant (6).
Genome position (GRCh38, 1-based): chr19:12,714,875, A>C on the plus strand (T>G on the coding strand, the complement: TNPO2 is on the minus strand). VCF-style: chr19-12714875-A-C. GRCh37 (hg19) VCF-style: chr19-12825689-A-C.
Other names: c.836T>G, p.Leu279Arg (NM_001136195.2, NM_001136196.2, NM_001382236.1 and 7 more transcripts); short protein forms L279R.
Identifiers: ClinVar variation 3764263 (VCV003764263.1).